The following is an entry in ClinVar:

ClinVar aggregate classification (germline): Likely benign. Review status: criteria provided, single submitter (1 of 4 stars). 2 submissions from 2 submitters: Likely benign (1). 1 of the submissions does not count toward it. Last evaluated 2024-10-28.

Conditions:
GNAL-related disorder. Also called: GNAL-related condition.
Dystonic disorder. Also called: Dystonia. Identifiers: MedGen C0013421, MONDO:0003441, HP:0001332.

Allele frequency attached by ClinVar (database versions not stated): gnomAD exomes 0.00001; gnomAD 0.00002; TOPMed 0.00003; ExAC 0.00004; ESP Exome Variant Server 0.00015.
gnomAD v4.1: 20 of 1,596,754 alleles (0.0013%); highest among the groups gnomAD compares: Non-Finnish European, 0.0017%; no homozygotes.

Submissions (2):

Labcorp Genetics (formerly Invitae), Labcorp
Classification: Likely benign for Dystonic disorder. Last evaluated: 2024-10-28. Review status: criteria provided, single submitter. Criteria: Invitae Variant Classification Sherloc (09022015). Collection method: clinical testing. Allele origin: germline.

PreventionGenetics, part of Exact Sciences
Classification: Likely benign for GNAL-related condition. Last evaluated: 2019-09-06. Review status: no assertion criteria provided. Collection method: clinical testing. Allele origin: germline. Not counted in ClinVar's aggregate classification.
Comment: This variant is classified as likely benign based on ACMG/AMP sequence variant interpretation guidelines (Richards et al. 2015 PMID: 25741868, with internal and published modifications).

NM_182978.4(GNAL):c.377-8G>C

Gene: GNAL (G protein subunit alpha L; plus strand). Cytogenetic location: 18p11.21.
Variant type: single nucleotide variant.
Coding change: c.377-8G>C on transcript NM_182978.4 (MANE Select); 8 bases into the intron before coding-DNA position 377, G replaced by C.
Molecular consequence: intron variant.
Genome position (GRCh38, 1-based): chr18:11,752,845, G>C. VCF-style: chr18-11752845-G-C. GRCh37 (hg19) VCF-style: chr18-11752844-G-C.
Other names: c.146-8G>C (NM_001142339.2, NM_001261443.2, NM_001142339.3 and 1 more transcripts).
Identifiers: ClinVar variation 2199787 (VCV002199787.6), dbSNP rs368954074, ClinGen allele CA8893871.